The following is an entry in ClinVar:

ClinVar aggregate classification (germline): Uncertain significance. Review status: criteria provided, multiple submitters, no conflicts (2 of 4 stars). 2 submissions from 2 submitters: Uncertain significance (2). Last evaluated 2026-01-19.

Conditions:
Inborn genetic diseases. Identifiers: MedGen C0950123, MeSH D030342.
Congenital myasthenic syndrome 8. Also called: Myasthenic syndrome, congenital, 8, with pre- and postsynaptic defects; MYASTHENIC SYNDROME, CONGENITAL, DUE TO AGRIN DEFICIENCY. Identifiers: Orphanet 590, MedGen C3808739, MONDO:0014052, OMIM 615120.

Allele frequency attached by ClinVar (database versions not stated): TOPMed 0.00003; ExAC 0.00010; gnomAD 0.00003; gnomAD exomes 0.00007.
gnomAD v4.1: 41 of 1,589,590 alleles (0.0026%); highest among the groups gnomAD compares: East Asian, 0.018%; no homozygotes.

Submissions (2):

Labcorp Genetics (formerly Invitae), Labcorp
Classification: Uncertain significance for Congenital myasthenic syndrome 8. Last evaluated: 2026-01-19. Review status: criteria provided, single submitter. Criteria: Invitae Variant Classification Sherloc (09022015). Collection method: clinical testing. Allele origin: germline.
Comment: This sequence change replaces asparagine, which is neutral and polar, with serine, which is neutral and polar, at codon 1828 of the AGRN protein (p.Asn1828Ser). This variant is present in population databases (rs753473191, gnomAD 0.05%). This variant has not been reported in the literature in individuals affected with AGRN-related conditions. ClinVar contains an entry for this variant (Variation ID: 541149). An algorithm developed to predict the effect of missense changes on protein structure and function (PolyPhen-2) suggests that this variant is likely to be disruptive. In summary, the available evidence is currently insufficient to determine the role of this variant in disease. Therefore, it has been classified as a Variant of Uncertain Significance.

Ambry Genetics
Classification: Uncertain significance for Inborn genetic diseases. Last evaluated: 2024-03-18. Review status: criteria provided, single submitter. Criteria: Ambry Variant Classification Scheme 2023. Collection method: clinical testing. Allele origin: germline.

NM_198576.4(AGRN):c.5483A>G (p.Asn1828Ser)

Gene: AGRN (agrin; plus strand). Cytogenetic location: 1p36.33.
Variant type: single nucleotide variant.
Coding change: c.5483A>G on transcript NM_198576.4 (MANE Select); coding-DNA position 5483, A replaced by G.
Protein change: p.Asn1828Ser; replaces asparagine 1828 with serine.
Molecular consequence: missense variant.
Genome position (GRCh38, 1-based): chr1:1,051,565, A>G. VCF-style: chr1-1051565-A-G. GRCh37 (hg19) VCF-style: chr1-986945-A-G.
Other names: c.5495A>G, p.Asn1832Ser (NM_001305275.2); c.5180A>G, p.Asn1727Ser (NM_001364727.2); short protein forms N1828S, N1727S, N1832S.
Identifiers: ClinVar variation 541149 (VCV000541149.11), dbSNP rs753473191, ClinGen allele CA510047.